The following is an entry in ClinVar:

ClinVar aggregate classification (germline): Uncertain significance (1 of 4 stars; one submission).

Conditions:
Inborn genetic diseases. Identifiers: MedGen C0950123, MeSH D030342.

Submission:

Ambry Genetics
Classification: Uncertain significance for Inborn genetic diseases. Last evaluated: 2026-02-17. Review status: criteria provided, single submitter. Criteria: Ambry Variant Classification Scheme 2023. Collection method: clinical testing. Allele origin: germline.
Comment: The p.V453G variant (also known as c.1358T>G), located in coding exon 10 of the BMPR2 gene, results from a T to G substitution at nucleotide position 1358. The valine at codon 453 is replaced by glycine, an amino acid with dissimilar properties. This amino acid position is conserved. In addition, this alteration is predicted to be deleterious by in silico analysis. Based on the available evidence, the clinical significance of this variant remains unclear.

NM_001204.7(BMPR2):c.1358T>G (p.Val453Gly)

Gene: BMPR2 (bone morphogenetic protein receptor type 2; plus strand). Cytogenetic location: 2q33.2.
Variant type: single nucleotide variant.
Coding change: c.1358T>G on transcript NM_001204.7 (MANE Select); coding-DNA position 1358, T replaced by G.
Protein change: p.Val453Gly; replaces valine 453 with glycine.
Molecular consequence: missense variant.
Genome position (GRCh38, 1-based): chr2:202,542,392, T>G. VCF-style: chr2-202542392-T-G. GRCh37 (hg19) VCF-style: chr2-203407115-T-G.
Other names: short protein forms V453G.
Identifiers: ClinVar variation 4824928 (VCV004824928.1).